The following is an entry in ClinVar:

NM_020335.3(VANGL2):c.508C>T (p.Arg170Trp)

Gene: VANGL2 (VANGL planar cell polarity protein 2; plus strand). Cytogenetic location: 1q23.2.
Variant type: single nucleotide variant.
Coding change: c.508C>T on transcript NM_020335.3 (MANE Select); coding-DNA position 508, C replaced by T.
Protein change: p.Arg170Trp; replaces arginine 170 with tryptophan.
Molecular consequence: missense variant.
Genome position (GRCh38, 1-based): chr1:160,419,317, C>T. VCF-style: chr1-160419317-C-T. GRCh37 (hg19) VCF-style: chr1-160389107-C-T.
Other names: short protein forms R170W.
Identifiers: ClinVar variation 2262589 (VCV002262589.3), dbSNP rs930459293, ClinGen allele CA31537291.

ClinVar aggregate classification (germline): Uncertain significance (1 of 4 stars; one submission).

Conditions:
Inborn genetic diseases. Identifiers: MedGen C0950123, MeSH D030342.

Allele frequency attached by ClinVar (database versions not stated): gnomAD exomes below 0.00001; gnomAD 0.00002; TOPMed 0.00002.
gnomAD v4.1: 7 of 1,609,268 alleles (0.00043%); highest among the groups gnomAD compares: African/African-American, 0.004%; no homozygotes.

Submission:

Ambry Genetics
Classification: Uncertain significance for Inborn genetic diseases. Last evaluated: 2026-03-31. Review status: criteria provided, single submitter. Criteria: Ambry Variant Classification Scheme 2023. Collection method: clinical testing. Allele origin: germline.
Comment: The c.508C>T (p.R170W) alteration is located in exon 4 (coding exon 3) of the VANGL2 gene. This alteration results from a C to T substitution at nucleotide position 508, causing the arginine (R) at amino acid position 170 to be replaced by a tryptophan (W). Based on data from gnomAD, the T allele has an overall frequency of <0.001% (0/248336) total alleles studied. The highest observed frequency was <0.001% (/) of alleles. Based on insufficient or conflicting evidence, the clinical significance of this alteration remains unclear.